The following is an entry in ClinVar:

NM_001999.4(FBN2):c.436+4T>G

Gene: FBN2 (fibrillin 2; minus strand). Cytogenetic location: 5q23.3.
Variant type: single nucleotide variant.
Coding change: c.436+4T>G on transcript NM_001999.4 (MANE Select); 4 bases into the intron after coding-DNA position 436, T replaced by G.
Molecular consequence: intron variant.
Genome position (GRCh38, 1-based): chr5:128,530,591, A>C on the plus strand (T>G on the coding strand, the complement: FBN2 is on the minus strand). VCF-style: chr5-128530591-A-C. GRCh37 (hg19) VCF-style: chr5-127866284-A-C.
Identifiers: ClinVar variation 2448304 (VCV002448304.5), dbSNP rs767168823, ClinGen allele CA1581360179.

ClinVar aggregate classification (germline): Uncertain significance. Review status: criteria provided, multiple submitters, no conflicts (2 of 4 stars). 2 submissions from 2 submitters: Uncertain significance (2). Last evaluated 2023-04-20.

Conditions:
Familial thoracic aortic aneurysm and aortic dissection (TAAD). Also called: Thoracic aortic aneurysms and dissections. Identifiers: Orphanet 91387, MedGen C4707243, MONDO:0019625.
Congenital contractural arachnodactyly (CCA). Also called: BEALS SYNDROME; Beals-Hecht syndrome; Arthrogryposis, distal, type 9. Identifiers: Orphanet 115, MedGen C0220668, MONDO:0007363, OMIM 121050.

Submissions (2):

Labcorp Genetics (formerly Invitae), Labcorp
Classification: Uncertain significance for Congenital contractural arachnodactyly. Last evaluated: 2023-04-20. Review status: criteria provided, single submitter. Criteria: Invitae Variant Classification Sherloc (09022015). Collection method: clinical testing. Allele origin: germline.
Comment: In summary, the available evidence is currently insufficient to determine the role of this variant in disease. Therefore, it has been classified as a Variant of Uncertain Significance. Variants that disrupt the consensus splice site are a relatively common cause of aberrant splicing (PMID: 17576681, 9536098). Algorithms developed to predict the effect of sequence changes on RNA splicing suggest that this variant is not likely to affect RNA splicing. This variant has not been reported in the literature in individuals affected with FBN2-related conditions. This variant is not present in population databases (gnomAD no frequency). This sequence change falls in intron 3 of the FBN2 gene. It does not directly change the encoded amino acid sequence of the FBN2 protein. It affects a nucleotide within the consensus splice site.

Ambry Genetics
Classification: Uncertain significance for Familial thoracic aortic aneurysm and aortic dissection. Last evaluated: 2023-02-01. Review status: criteria provided, single submitter. Criteria: Ambry Variant Classification Scheme 2023. Collection method: clinical testing. Allele origin: germline.
Comment: The c.436+4T>G intronic variant results from a T to G substitution 4 nucleotides after coding exon 3 in the FBN2 gene. This nucleotide position is not well conserved in available vertebrate species. In silico splice site analysis predicts that this alteration will not have any significant effect on splicing. Since supporting evidence is limited at this time, the clinical significance of this alteration remains unclear.

Literature cited by the submitters: PubMed 17576681 (cited by Labcorp Genetics (formerly Invitae), Labcorp); PubMed 9536098 (cited by Labcorp Genetics (formerly Invitae), Labcorp).